The following is an entry in ClinVar:

NM_003922.4(HERC1):c.9093G>C (p.Pro3031=)

Gene: HERC1 (HECT and RLD domain containing E3 ubiquitin protein ligase family member 1; minus strand). Cytogenetic location: 15q22.31.
Variant type: single nucleotide variant.
Coding change: c.9093G>C on transcript NM_003922.4 (MANE Select); coding-DNA position 9093, G replaced by C.
Protein change: p.Pro3031=; no amino-acid change (proline 3031 retained).
Molecular consequence: synonymous variant.
Genome position (GRCh38, 1-based): chr15:63,661,830, C>G on the plus strand (G>C on the coding strand, the complement: HERC1 is on the minus strand). VCF-style: chr15-63661830-C-G. GRCh37 (hg19) VCF-style: chr15-63954029-C-G.
Identifiers: ClinVar variation 2645433 (VCV002645433.24), dbSNP rs2228511, ClinGen allele CA490710363.

ClinVar aggregate classification (germline): Likely benign (1 of 4 stars; one submission).

Submission:

CeGaT Center for Human Genetics Tuebingen
Classification: Likely benign. Last evaluated: 2023-02-01. Review status: criteria provided, single submitter. Criteria: CeGaT Center For Human Genetics Tuebingen Variant Classification Criteria Version 2. Collection method: clinical testing. Allele origin: germline. Affected: yes. Observed: 1 variant allele.
Comment: HERC1: PM2:Supporting, BP4, BP7